The following is an entry in ClinVar:

ClinVar aggregate classification (germline): Uncertain significance (1 of 4 stars; one submission).

gnomAD v4.1: 38 of 1,614,018 alleles (0.0024%); highest among the groups gnomAD compares: Non-Finnish European, 0.0032%; no homozygotes.

Submission:

Labcorp Genetics (formerly Invitae), Labcorp
Classification: Uncertain significance. Last evaluated: 2025-08-15. Review status: criteria provided, single submitter. Criteria: Invitae Variant Classification Sherloc (09022015). Collection method: clinical testing. Allele origin: germline.
Comment: This sequence change replaces glutamic acid, which is acidic and polar, with glutamine, which is neutral and polar, at codon 1575 of the SMARCA2 protein (p.Glu1575Gln). This variant is present in population databases (rs778660870, gnomAD 0.004%). This variant has not been reported in the literature in individuals affected with SMARCA2-related conditions. Invitae Evidence Modeling of protein sequence and biophysical properties (such as structural, functional, and spatial information, amino acid conservation, physicochemical variation, residue mobility, and thermodynamic stability) indicates that this missense variant is not expected to disrupt SMARCA2 protein function with a negative predictive value of 80%. In summary, the available evidence is currently insufficient to determine the role of this variant in disease. Therefore, it has been classified as a Variant of Uncertain Significance.

NM_003070.5(SMARCA2):c.4723G>C (p.Glu1575Gln)

Gene: SMARCA2 (SWI/SNF related BAF chromatin remodeling complex subunit ATPase 2; plus strand). Cytogenetic location: 9p24.3.
Variant type: single nucleotide variant.
Coding change: c.4723G>C on transcript NM_003070.5 (MANE Select); coding-DNA position 4723, G replaced by C.
Protein change: p.Glu1575Gln; replaces glutamic acid 1575 with glutamine.
Molecular consequence: missense variant.
Genome position (GRCh38, 1-based): chr9:2,191,394, G>C. VCF-style: chr9-2191394-G-C. GRCh37 (hg19) VCF-style: chr9-2191394-G-C.
Other names: c.4723G>C, p.Glu1575Gln (NM_001289396.2); c.4495G>C, p.Glu1499Gln (NM_001289397.2); c.697G>C, p.Glu233Gln (NM_001289398.2); c.781G>C, p.Glu261Gln (NM_001289399.2); c.787G>C, p.Glu263Gln (NM_001289400.2); c.4669G>C, p.Glu1557Gln (NM_139045.4); short protein forms E1575Q, E1557Q, E263Q, E1499Q, E233Q, E261Q.
Identifiers: ClinVar variation 4748686 (VCV004748686.1).
Genomic context (GRCh38, chr9:2,191,394, plus strand): 5'-AAGAAAAGGCCAAATCGAGGAAAAGCCAAACCTGTAGTGAGCGATTTTGACAGCGATGAG[G>C]AGCAGGATGAACGTGTAAGTGTAGCCGACTGGGACTGAAGGCGGAGACGCCCTCTCCCCT-3'
Protein context (NP_003061.3, residues 1565-1585): PVVSDFDSDE[Glu1575Gln]QDEREQSEGS